The following is an entry in ClinVar:

NM_006440.5(TXNRD2):c.709C>T (p.Leu237Phe)

Gene: TXNRD2 (thioredoxin reductase 2; minus strand). Cytogenetic location: 22q11.21.
Variant type: single nucleotide variant.
Coding change: c.709C>T on transcript NM_006440.5 (MANE Select); coding-DNA position 709, C replaced by T.
Protein change: p.Leu237Phe; replaces leucine 237 with phenylalanine.
Molecular consequence: missense variant. On other transcripts: non-coding transcript variant (1).
Genome position (GRCh38, 1-based): chr22:19,898,104, G>A on the plus strand (C>T on the coding strand, the complement: TXNRD2 is on the minus strand). VCF-style: chr22-19898104-G-A. GRCh37 (hg19) VCF-style: chr22-19885627-G-A.
Other names: c.709C>T, p.Leu237Phe (NM_001282512.3); c.706C>T, p.Leu236Phe (NM_001352300.2); c.619C>T, p.Leu207Phe (NM_001352301.2); c.421C>T, p.Leu141Phe (NM_001352302.2); c.613C>T, p.Leu205Phe (NM_001352303.2); short protein forms L205F, L236F, L237F, L141F, L207F.
Identifiers: ClinVar variation 1757135 (VCV001757135.3), dbSNP rs1007360232, ClinGen allele CA322099877.

ClinVar aggregate classification (germline): Uncertain significance (1 of 4 stars; one submission).

Conditions:
Cardiovascular phenotype. Identifiers: MedGen CN230736.

Allele frequency attached by ClinVar (database versions not stated): gnomAD 0.00001; TOPMed 0.00001.
gnomAD v4.1: 2 of 1,566,674 alleles (0.00013%); highest among the groups gnomAD compares: African/African-American, 0.0014%; no homozygotes.

Submission:

Ambry Genetics
Classification: Uncertain significance for Cardiovascular phenotype. Last evaluated: 2023-08-11. Review status: criteria provided, single submitter. Criteria: Ambry Variant Classification Scheme 2023. Collection method: clinical testing. Allele origin: germline.
Comment: The p.L237F variant (also known as c.709C>T), located in coding exon 10 of the TXNRD2 gene, results from a C to T substitution at nucleotide position 709. The leucine at codon 237 is replaced by phenylalanine, an amino acid with highly similar properties. This amino acid position is highly conserved in available vertebrate species. In addition, the in silico prediction for this alteration is inconclusive. Since supporting evidence is limited at this time, the clinical significance of this alteration remains unclear.